The following is an entry in ClinVar:

NM_001127222.2(CACNA1A):c.3518C>G (p.Ala1173Gly)

Gene: CACNA1A (calcium voltage-gated channel subunit alpha1 A; minus strand). Cytogenetic location: 19p13.13.
Variant type: single nucleotide variant.
Coding change: c.3518C>G on transcript NM_001127222.2 (MANE Select); coding-DNA position 3518, C replaced by G.
Protein change: p.Ala1173Gly; replaces alanine 1173 with glycine.
Molecular consequence: missense variant.
Genome position (GRCh38, 1-based): chr19:13,286,538, G>C on the plus strand (C>G on the coding strand, the complement: CACNA1A is on the minus strand). VCF-style: chr19-13286538-G-C. GRCh37 (hg19) VCF-style: chr19-13397352-G-C.
Other names: c.3530C>G, p.Ala1177Gly (NM_000068.4, NM_023035.3); c.3521C>G, p.Ala1174Gly (NM_001127221.2, NM_001174080.2); short protein forms A1173G, A1174G, A1177G.
Identifiers: ClinVar variation 871983 (VCV000871983.43), dbSNP rs778036647, ClinGen allele CA9240300.

ClinVar aggregate classification (germline): Uncertain significance. Review status: criteria provided, multiple submitters, no conflicts (2 of 4 stars). 2 submissions from 2 submitters: Uncertain significance (2). Last evaluated 2024-03-30.

Conditions:
Episodic ataxia type 2 (EA2). Also called: ATAXIA, EPISODIC, WITH NYSTAGMUS; ATAXIA, FAMILIAL PAROXYSMAL; CEREBELLAR ATAXIA, PAROXYSMAL, ACETAZOLAMIDE-RESPONSIVE; CEREBELLOPATHY, HEREDITARY PAROXYSMAL; ACETAZOLAMIDE-RESPONSIVE HEREDITARY PAROXYSMAL CEREBELLAR ATAXIA; EPISODIC ATAXIA, NYSTAGMUS-ASSOCIATED. Identifiers: Orphanet 97, MedGen C1720416, MONDO:0007163, OMIM 108500.
Developmental and epileptic encephalopathy, 42 (DEE42A). Also called: Epileptic encephalopathy, early infantile, 42; DEVELOPMENTAL AND EPILEPTIC ENCEPHALOPATHY 42A; EPILEPTIC ENCEPHALOPATHY, EARLY INFANTILE, 42A. Identifiers: MedGen C4310716, MONDO:0014917, OMIM 617106.

Allele frequency attached by ClinVar (database versions not stated): ExAC below 0.00001.

Submissions (2):

Labcorp Genetics (formerly Invitae), Labcorp
Classification: Uncertain significance for Developmental and epileptic encephalopathy, 42; Episodic ataxia type 2. Last evaluated: 2024-03-30. Review status: criteria provided, single submitter. Criteria: Invitae Variant Classification Sherloc (09022015). Collection method: clinical testing. Allele origin: germline.
Comment: This sequence change replaces alanine, which is neutral and non-polar, with glycine, which is neutral and non-polar, at codon 1174 of the CACNA1A protein (p.Ala1174Gly). This variant is not present in population databases (gnomAD no frequency). This variant has not been reported in the literature in individuals affected with CACNA1A-related conditions. ClinVar contains an entry for this variant (Variation ID: 871983). Advanced modeling of protein sequence and biophysical properties (such as structural, functional, and spatial information, amino acid conservation, physicochemical variation, residue mobility, and thermodynamic stability) performed at Invitae indicates that this missense variant is not expected to disrupt CACNA1A protein function with a negative predictive value of 95%. In summary, the available evidence is currently insufficient to determine the role of this variant in disease. Therefore, it has been classified as a Variant of Uncertain Significance.

CeGaT Center for Human Genetics Tuebingen
Classification: Uncertain significance. Last evaluated: 2019-11-01. Review status: criteria provided, single submitter. Criteria: CeGaT Center For Human Genetics Tuebingen Variant Classification Criteria Version 2. Collection method: clinical testing. Allele origin: germline. Affected: yes. Observed: 1 variant allele.